The following is an entry in ClinVar:

NM_015102.5(NPHP4):c.1462C>T (p.Arg488Ter)

Gene: NPHP4 (nephrocystin 4; minus strand). Cytogenetic location: 1p36.31.
Variant type: single nucleotide variant.
Coding change: c.1462C>T on transcript NM_015102.5 (MANE Select); coding-DNA position 1462, C replaced by T.
Protein change: p.Arg488Ter; replaces arginine 488 with a stop codon.
Molecular consequence: nonsense. On other transcripts: non-coding transcript variant (1), intron variant (2).
Genome position (GRCh38, 1-based): chr1:5,909,193, G>A on the plus strand (C>T on the coding strand, the complement: NPHP4 is on the minus strand). VCF-style: chr1-5909193-G-A. GRCh37 (hg19) VCF-style: chr1-5969253-G-A.
Other names: c.1462C>T (NM_015102.4); c.76-3410C>T (NM_001291594.2); c.76-3413C>T (NM_001291593.2); short protein forms R488*.
Identifiers: ClinVar variation 297820 (VCV000297820.20), dbSNP rs778043242, ClinGen allele CA554491.

ClinVar aggregate classification (germline): Conflicting classifications of pathogenicity. Review status: criteria provided, conflicting classifications (1 of 4 stars). 6 submissions from 6 submitters: Pathogenic (4); Likely pathogenic (1); Uncertain significance (1). Last evaluated 2026-08-03.

Conditions:
Nephronophthisis 4 (NPHP4). Also called: NEPHRONOPHTHISIS 4, JUVENILE. Identifiers: Orphanet 655, MedGen C1847013, MONDO:0011752, OMIM 606966.
Autosomal. recessive NPHP4-related disorders.
NPHP4-related disorder. Also called: NPHP4-related disorders; NPHP4-related condition. Identifiers: MedGen CN239384.
Nephronophthisis. Also called: Juvenile Nephronophthisis. Identifiers: Orphanet 655, MedGen C0687120, MONDO:0019005, HP:0000090.

Allele frequency attached by ClinVar (database versions not stated): gnomAD exomes 0.00006; TOPMed 0.00007; gnomAD 0.00009; ExAC 0.00015.
gnomAD v4.1: 77 of 1,604,058 alleles (0.0048%); highest among the groups gnomAD compares: African/African-American, 0.004%; 1 homozygote.

Submissions (6):

PreventionGenetics, part of Exact Sciences
Classification: Pathogenic for NPHP4-related condition. Last evaluated: 2026-08-03. Review status: criteria provided, single submitter. Criteria: ACMG Guidelines, 2015. Collection method: clinical testing. Allele origin: germline.
Comment: The NPHP4 c.1462C>T variant is predicted to result in premature protein termination (p.Arg488*). This variant has been reported in the homozygous state and in the heterozygous state along with a second NPHP4 variant in individuals with nephronophthisis (Hoefele et al. 2005. PubMed ID: 15776426; Table S3, Chaki et al. 2011. PubMed ID: 21866095; Supplemental, König et al. 2022. PubMed ID: 36090483). This variant is present in 0.11% of alleles in individuals of Ashkenazi Jewish descent in gnomAD, indicating it is relatively common in this popuation. Nonsense variants in NPHP4 are an established mechanism of disease. This variant is interpreted as pathogenic.

Variantyx, Inc.
Classification: Pathogenic for Autosomal. recessive NPHP4-related disorders. Last evaluated: 2025-03-19. Review status: criteria provided, single submitter. Criteria: Variantyx Assertion Criteria 2022. Collection method: clinical testing. Allele origin: germline. Inheritance: Autosomal recessive inheritance.
Comment: This is a nonsense variant in the NPHP4 gene (OMIM: 607215). Pathogenic variants in this gene have been associated with autosomal recessive NPHP4-related disorders. This variant introduces a premature termination codon in exon 12 out of 30. It is expected to result in loss of function, which is a known disease mechanism for NPHP4 in this disorder (PMID: 23559409, 12205563) (PVS1). This variant has been reported in the homozygous or compound heterozygous state in at least 2 unrelated, affected individuals (PMID: 15776426, 36090483) (PM3). This variant has a 0.0088% maximum allele frequency in non-founder control populations (PM2). Based on the current evidence, this variant is classified as pathogenic for autosomal recessive NPHP4-related disorders.

Blueprint Genetics
Classification: Likely pathogenic for NPHP4-related disorders. Last evaluated: 2024-10-02. Review status: criteria provided, single submitter. Criteria: ACMG Guidelines, 2015. Collection method: clinical testing. Allele origin: germline. Affected: yes. Observed: 5 variant alleles.

Labcorp Genetics (formerly Invitae), Labcorp
Classification: Pathogenic for Nephronophthisis. Last evaluated: 2024-06-30. Review status: criteria provided, single submitter. Criteria: Invitae Variant Classification Sherloc (09022015). Collection method: clinical testing. Allele origin: germline.
Comment: This sequence change creates a premature translational stop signal (p.Arg488*) in the NPHP4 gene. It is expected to result in an absent or disrupted protein product. Loss-of-function variants in NPHP4 are known to be pathogenic (PMID: 12205563, 23559409). This variant is present in population databases (rs778043242, gnomAD 0.1%), including at least one homozygous and/or hemizygous individual. This premature translational stop signal has been observed in individual(s) with nephronophthisis (PMID: 15776426). ClinVar contains an entry for this variant (Variation ID: 297820). For these reasons, this variant has been classified as Pathogenic.

Precision Medicine Center, Zhengzhou University
Classification: Pathogenic for Nephronophthisis 4. Last evaluated: 2023-12-01. Review status: criteria provided, single submitter. Criteria: ACMG Guidelines, 2015. Collection method: clinical testing. Allele origin: paternal. Affected: yes.
Comment: PVS1,PM2_p,PM3

Eurofins Ntd Llc (ga)
Classification: Uncertain significance. Last evaluated: 2017-07-13. Review status: criteria provided, single submitter. Criteria: EGL Classification Definitions 2015. Collection method: clinical testing. Allele origin: germline. Observed: 1 variant allele, 1 heterozygote.

Literature cited by the submitters: PubMed 23559409 (cited by Variantyx, Inc. and Labcorp Genetics (formerly Invitae), Labcorp); PubMed 12205563 (cited by Variantyx, Inc. and Labcorp Genetics (formerly Invitae), Labcorp); PubMed 15776426 (cited by 3 submitters); PubMed 21866095 (cited by Eurofins Ntd Llc (ga)).